The following is an entry in ClinVar:

NM_000400.4(ERCC2):c.488C>G (p.Ala163Gly)

Gene: ERCC2 (ERCC excision repair 2, TFIIH core complex helicase subunit; minus strand). Cytogenetic location: 19q13.32.
Variant type: single nucleotide variant.
Coding change: c.488C>G on transcript NM_000400.4 (MANE Select); coding-DNA position 488, C replaced by G.
Protein change: p.Ala163Gly; replaces alanine 163 with glycine.
Molecular consequence: missense variant.
Genome position (GRCh38, 1-based): chr19:45,364,944, G>C on the plus strand (C>G on the coding strand, the complement: ERCC2 is on the minus strand). VCF-style: chr19-45364944-G-C. GRCh37 (hg19) VCF-style: chr19-45868202-G-C.
Other names: c.416C>G, p.Ala139Gly (NM_001130867.2); short protein forms A139G, A163G.
Identifiers: ClinVar variation 1743845 (VCV001743845.2), dbSNP rs2514034335, ClinGen allele CA406375798.

ClinVar aggregate classification (germline): Uncertain significance (1 of 4 stars; one submission).

Conditions:
Inborn genetic diseases. Identifiers: MedGen C0950123, MeSH D030342.

Submission:

Ambry Genetics
Classification: Uncertain significance for Inborn genetic diseases. Last evaluated: 2022-08-23. Review status: criteria provided, single submitter. Criteria: Ambry Variant Classification Scheme 2023. Collection method: clinical testing. Allele origin: germline.
Comment: The p.A163G variant (also known as c.488C>G), located in coding exon 7 of the ERCC2 gene, results from a C to G substitution at nucleotide position 488. The alanine at codon 163 is replaced by glycine, an amino acid with similar properties. This amino acid position is conserved. In addition, the in silico prediction for this alteration is inconclusive. Since supporting evidence is limited at this time, the clinical significance of this alteration remains unclear.